The following is an entry in ClinVar:

NM_024408.4(NOTCH2):c.1939G>A (p.Asp647Asn)

Gene: NOTCH2 (notch receptor 2; minus strand). Cytogenetic location: 1p12.
Variant type: single nucleotide variant.
Coding change: c.1939G>A on transcript NM_024408.4 (MANE Select); coding-DNA position 1939, G replaced by A.
Protein change: p.Asp647Asn; replaces aspartic acid 647 with asparagine.
Molecular consequence: missense variant.
Genome position (GRCh38, 1-based): chr1:119,959,479, C>T on the plus strand (G>A on the coding strand, the complement: NOTCH2 is on the minus strand). VCF-style: chr1-119959479-C-T. GRCh37 (hg19) VCF-style: chr1-120502102-C-T.
Other names: c.1939G>A, p.Asp647Asn (NM_001200001.2); short protein forms D647N.
Identifiers: ClinVar variation 2858347 (VCV002858347.3), dbSNP rs965709104, ClinGen allele CA30295887.

ClinVar aggregate classification (germline): Uncertain significance (1 of 4 stars; one submission).

Conditions:
Hajdu-Cheney syndrome (HJCYS). Also called: ACROOSTEOLYSIS WITH OSTEOPOROSIS AND CHANGES IN SKULL AND MANDIBLE; Acroosteolysis dominant type; SERPENTINE FIBULA-POLYCYSTIC KIDNEY SYNDROME. Identifiers: Orphanet 955, MedGen C0917715, MONDO:0007057, OMIM 102500.

Submission:

Labcorp Genetics (formerly Invitae), Labcorp
Classification: Uncertain significance for Hajdu-Cheney syndrome. Last evaluated: 2023-05-09. Review status: criteria provided, single submitter. Criteria: Invitae Variant Classification Sherloc (09022015). Collection method: clinical testing. Allele origin: germline.
Comment: This variant is not present in population databases (gnomAD no frequency). Advanced modeling of protein sequence and biophysical properties (such as structural, functional, and spatial information, amino acid conservation, physicochemical variation, residue mobility, and thermodynamic stability) performed at Invitae indicates that this missense variant is not expected to disrupt NOTCH2 protein function. This variant has not been reported in the literature in individuals affected with NOTCH2-related conditions. This sequence change replaces aspartic acid, which is acidic and polar, with asparagine, which is neutral and polar, at codon 647 of the NOTCH2 protein (p.Asp647Asn). In summary, the available evidence is currently insufficient to determine the role of this variant in disease. Therefore, it has been classified as a Variant of Uncertain Significance.